The following is an entry in ClinVar:

NM_000441.2(SLC26A4):c.2326C>T (p.Arg776Cys)

Gene: SLC26A4 (solute carrier family 26 member 4; plus strand). Cytogenetic location: 7q22.3.
Variant type: single nucleotide variant.
Coding change: c.2326C>T on transcript NM_000441.2 (MANE Select); coding-DNA position 2326, C replaced by T.
Protein change: p.Arg776Cys; replaces arginine 776 with cysteine.
Molecular consequence: missense variant.
Genome position (GRCh38, 1-based): chr7:107,715,429, C>T. VCF-style: chr7-107715429-C-T. GRCh37 (hg19) VCF-style: chr7-107355874-C-T.
Other names: short protein forms R776C.
Identifiers: ClinVar variation 43547 (VCV000043547.59), dbSNP rs111033255, ClinGen allele CA132715.

ClinVar aggregate classification (germline): Conflicting classifications of pathogenicity. Review status: criteria provided, conflicting classifications (1 of 4 stars). 15 submissions from 13 submitters: Uncertain significance (2); Likely benign (10). 3 of the submissions do not count toward it. Last evaluated 2026-02-04.

Conditions:
Autosomal recessive nonsyndromic hearing loss 4 (DFNB4). Also called: FOXI1-Related Pendred Syndrome; KCNJ10-Related Pendred Syndrome; DEAFNESS, AUTOSOMAL RECESSIVE 4, WITH ENLARGED VESTIBULAR AQUEDUCT, DIGENIC; Deafness, autosomal recessive 4; Nonsyndromic enlarged vestibular aqueduct (NSEVA); NEUROSENSORY NONSYNDROMIC RECESSIVE DEAFNESS 4. Identifiers: Orphanet 90636, MedGen C3538946, MONDO:0010933, OMIM 600791.
Pendred syndrome (PDS). Also called: Pendred's syndrome; DEAFNESS WITH GOITER; GOITER-DEAFNESS SYNDROME; HYPOTHYROIDISM, CONGENITAL, DUE TO DYSHORMONOGENESIS, 2B; THYROID DYSHORMONOGENESIS 2B; THYROID HORMONOGENESIS, GENETIC DEFECT IN, 2B. Identifiers: Orphanet 705, MedGen C0271829, MONDO:0010134, OMIM 274600.

Allele frequency attached by ClinVar (database versions not stated): 1000 Genomes Project 0.00020; 1000 Genomes Project 30x 0.00047; ESP Exome Variant Server 0.00169; gnomAD 0.00178 and 0.00183; gnomAD exomes 0.00181 and 0.00278; TOPMed 0.00189; ExAC 0.00200.
gnomAD v4.1: 4,300 of 1,612,960 alleles (0.27%); highest among the groups gnomAD compares: Non-Finnish European, 0.32%; 7 homozygotes.

Submissions (15):

Labcorp Genetics (formerly Invitae), Labcorp
Classification: Likely benign. Last evaluated: 2026-02-04. Review status: criteria provided, single submitter. Criteria: Invitae Variant Classification Sherloc (09022015). Collection method: clinical testing. Allele origin: germline.

CeGaT Center for Human Genetics Tuebingen
Classification: Likely benign. Last evaluated: 2026-01-01. Review status: criteria provided, single submitter. Criteria: CeGaT Center For Human Genetics Tuebingen Variant Classification Criteria Version 2. Collection method: clinical testing. Allele origin: germline. Affected: yes. Observed: 3 variant alleles.
Comment: SLC26A4: BS1

Women's Health and Genetics/Laboratory Corporation of America, LabCorp
Classification: Likely benign. Last evaluated: 2025-12-17. Review status: criteria provided, single submitter. Criteria: LabCorp Variant Classification Summary - May 2015. Collection method: clinical testing. Allele origin: germline.
Comment: Variant summary: SLC26A4 c.2326C>T (p.Arg776Cys) results in a non-conservative amino acid change in the encoded protein sequence. Algorithms developed to predict the effect of missense changes on protein structure and function all suggest that this variant is likely to be disruptive. The variant allele was found at a frequency of 0.0028 in 1460752 control chromosomes, predominantly at a frequency of 0.0032 within the Non-Finnish European subpopulation in the gnomAD database, including 4 homozygotes. c.2326C>T has been observed in individual(s) affected with Hearing loss (e.g. Pfarr_2006, Pryor_2005), without evidence for causality. These report(s) do not provide unequivocal conclusions about association of the variant with Pendred Syndrome. To our knowledge, no experimental evidence demonstrating an impact on protein function has been reported. The following publications have been ascertained in the context of this evaluation (PMID: 16684826, 15689455). ClinVar contains an entry for this variant (Variation ID: 43547). Based on the evidence outlined above, the variant was classified as likely benign.

Blueprint Genetics
Classification: Likely benign. Last evaluated: 2024-11-25. Review status: criteria provided, single submitter. Criteria: ACMG Guidelines, 2015. Collection method: clinical testing. Allele origin: germline.

Genome-Nilou Lab
Classification: Likely benign for Autosomal recessive nonsyndromic hearing loss 4. Last evaluated: 2021-09-05. Review status: criteria provided, single submitter. Criteria: ACMG Guidelines, 2015. Collection method: clinical testing. Allele origin: germline. Affected: no.

Genome-Nilou Lab
Classification: Likely benign for Pendred syndrome. Last evaluated: 2021-09-05. Review status: criteria provided, single submitter. Criteria: ACMG Guidelines, 2015. Collection method: clinical testing. Allele origin: germline. Affected: no.

ARUP Laboratories, Molecular Genetics and Genomics, ARUP Laboratories
Classification: Likely benign. Last evaluated: 2020-02-03. Review status: criteria provided, single submitter. Criteria: ARUP Molecular Germline Variant Investigation Process. Collection method: clinical testing. Allele origin: germline.

GeneDx
Classification: Likely benign. Last evaluated: 2017-12-19. Review status: criteria provided, single submitter. Criteria: GeneDx Variant Classification (06012015). Collection method: clinical testing. Allele origin: germline. Affected: yes.
Comment: This variant is considered likely benign or benign based on one or more of the following criteria: it is a conservative change, it occurs at a poorly conserved position in the protein, it is predicted to be benign by multiple in silico algorithms, and/or has population frequency not consistent with disease.

Eurofins Ntd Llc (ga)
Classification: Likely benign. Last evaluated: 2017-08-18. Review status: criteria provided, single submitter. Criteria: EGL Classification Definitions 2015. Collection method: clinical testing. Allele origin: germline. Observed: 2 variant alleles, 2 heterozygotes.

Illumina Laboratory Services, Illumina
Classification: Uncertain significance for Pendred syndrome. Last evaluated: 2017-04-27. Review status: criteria provided, single submitter. Criteria: ICSL Variant Classification Criteria 13 December 2019. Collection method: clinical testing. Allele origin: germline.

Illumina Laboratory Services, Illumina
Classification: Uncertain significance for Autosomal recessive nonsyndromic hearing loss 4. Last evaluated: 2017-04-27. Review status: criteria provided, single submitter. Criteria: ICSL Variant Classification Criteria 13 December 2019. Collection method: clinical testing. Allele origin: germline.
Comment: This variant was observed as part of a predisposition screen in an ostensibly healthy population. A literature search was performed for the gene, cDNA change, and amino acid change (where applicable). Publications were found based on this search. However, the evidence from the literature, in combination with allele frequency data from public databases where available, was not sufficient to rule this variant in or out of causing disease. Therefore, this variant is classified as a variant of unknown significance.

Laboratory for Molecular Medicine, Mass General Brigham Personalized Medicine
Classification: Likely benign. Last evaluated: 2015-07-02. Review status: criteria provided, single submitter. Criteria: LMM Criteria. Collection method: clinical testing. Allele origin: germline. Observed: 14 variant alleles.
Comment: p.Arg776Cys in exon 21 of SLC26A4: This variant has been reported in six proband s with non-syndromic hearing loss with/without EVA (Pryor 2005, Choi 2009, Hutch in 2005, Pourova 2010). However, haplotype analysis in one of the reported famil ies showed inconsistent segregation of the SLC26A4 gene in an affected sibling, suggesting that SLC26A4 mutations were not the primary cause of hearing loss in that family. This variant has been identified in 0.5% (33/6614) of Finnish chro mosomes and in 0.3% (192/66740) of European chromosomes by the Exome Aggregation Consortium (ExAC; dbSNP rs111033255). In addit ion, this variant has now been identified in our laboratory in 2 patients with a nother genetic cause of their hearing loss. In addition, two independent functio nal studies show that the variant allele had a similar function to wildtype (Pfa rr 2006, Choi 2009). In summary, the current data suggest that this variant is l ikely benign.

Natera, Inc.
Classification: Uncertain significance for Pendred syndrome. Last evaluated: 2020-01-02. Review status: no assertion criteria provided. Collection method: clinical testing. Allele origin: germline. Not counted in ClinVar's aggregate classification.

Clinical Genetics DNA and cytogenetics Diagnostics Lab, Erasmus MC, Erasmus Medical Center
Classification: Uncertain significance. Review status: no assertion criteria provided. Collection method: clinical testing. Allele origin: germline. Affected: yes. Study: VKGL Data-share Consensus. Not counted in ClinVar's aggregate classification.

Joint Genome Diagnostic Labs from Nijmegen and Maastricht, Radboudumc and MUMC+
Classification: Uncertain significance. Review status: no assertion criteria provided. Collection method: clinical testing. Allele origin: germline. Affected: yes. Study: VKGL Data-share Consensus. Not counted in ClinVar's aggregate classification.

Literature cited by the submitters: PubMed 15689455 (cited by 4 submitters); PubMed 16684826 (cited by 4 submitters); PubMed 19017801 (cited by Eurofins Ntd Llc (ga)); PubMed 19204907 (cited by 3 submitters); PubMed 24051746 (cited by Eurofins Ntd Llc (ga)); PubMed 26752218 (cited by Eurofins Ntd Llc (ga)); PubMed 20597900 (cited by Illumina Laboratory Services, Illumina and Laboratory for Molecular Medicine, Mass General Brigham Personalized Medicine); PubMed 16283880 (cited by Laboratory for Molecular Medicine, Mass General Brigham Personalized Medicine).